The following is an entry in ClinVar:

ClinVar aggregate classification (germline): Likely pathogenic (1 of 4 stars; one submission).

Conditions:
Oromandibular-limb hypogenesis spectrum (MBS). Also called: Absence or underdevelopment of the 6th and 7th cranial nerves; Congenital facial diplegia syndrome; Congenital oculofacial paralysis; Möbius Syndrome; MOEBIUS SEQUENCE. Identifiers: Orphanet 570, MedGen C0221060, MONDO:0008006, OMIM 157900.

Submission:

Genetics Laboratory, UDIAT-Centre Diagnòstic, Hospital Universitari Parc Tauli
Classification: Likely pathogenic for Moebius syndrome. Last evaluated: 2022-10-04. Review status: criteria provided, single submitter. Criteria: Parc Tauli Hospital Assertion Criteria 2021. Collection method: clinical testing. Allele origin: de novo. Inheritance: Autosomal dominant inheritance. Affected: yes.
Comment: PM1;PM2_supporting;PM6;PP2

NM_001822.7(CHN1):c.643G>A (p.Gly215Arg)

Gene: CHN1 (chimerin 1; minus strand). Cytogenetic location: 2q31.1.
Variant type: single nucleotide variant.
Coding change: c.643G>A on transcript NM_001822.7 (MANE Select); coding-DNA position 643, G replaced by A.
Protein change: p.Gly215Arg; replaces glycine 215 with arginine.
Molecular consequence: missense variant. On other transcripts: non-coding transcript variant (1).
Genome position (GRCh38, 1-based): chr2:174,824,503, C>T on the plus strand (G>A on the coding strand, the complement: CHN1 is on the minus strand). VCF-style: chr2-174824503-C-T. GRCh37 (hg19) VCF-style: chr2-175689231-C-T.
Other names: c.565G>A, p.Gly189Arg (NM_001025201.4); c.268G>A, p.Gly90Arg (NM_001206602.2); c.643G>A, p.Gly215Arg (NM_001371513.1); c.694G>A, p.Gly232Arg (NM_001371514.1); short protein forms G189R, G215R, G232R, G90R.
Identifiers: ClinVar variation 1708248 (VCV001708248.3), dbSNP rs2468987994, ClinGen allele CA349347924.